The following is an entry in ClinVar:

NM_014795.4(ZEB2):c.3283G>A (p.Ala1095Thr)

Gene: ZEB2 (zinc finger E-box binding homeobox 2; minus strand). Cytogenetic location: 2q22.3.
Variant type: single nucleotide variant.
Coding change: c.3283G>A on transcript NM_014795.4 (MANE Select); coding-DNA position 3283, G replaced by A.
Protein change: p.Ala1095Thr; replaces alanine 1095 with threonine.
Molecular consequence: missense variant.
Genome position (GRCh38, 1-based): chr2:144,389,813, C>T on the plus strand (G>A on the coding strand, the complement: ZEB2 is on the minus strand). VCF-style: chr2-144389813-C-T. GRCh37 (hg19) VCF-style: chr2-145147380-C-T.
Other names: c.3211G>A, p.Ala1071Thr (NM_001171653.2); short protein forms A1071T, A1095T.
Identifiers: ClinVar variation 2087007 (VCV002087007.4), dbSNP rs1560602125, ClinGen allele CA348699848.
Genomic context (GRCh38, chr2:144,389,813, plus strand): 5'-TCTGCAAGTAAGCCCGGTTCATCAGCAGCTCGGTGGGTTCCAAGTGCCCTTTCTCGCGCG[C>T]CTCGCGCTCCGCCGCTTCCCGCTCCTCCGCCTCCCGCTTGCAGTAGGAATACCTGTGATT-3'
Protein context (NP_055610.1, residues 1085-1105): AEEREAAERE[Ala1095Thr]REKGHLEPTE

ClinVar aggregate classification (germline): Uncertain significance (1 of 4 stars; one submission).

Conditions:
Mowat-Wilson syndrome (MOWS). Also called: Classic Mowat-Wilson Syndrome. Identifiers: Orphanet 2152, MedGen C1856113, MONDO:0009341, OMIM 235730.

Submission:

Labcorp Genetics (formerly Invitae), Labcorp
Classification: Uncertain significance for Mowat-Wilson syndrome. Last evaluated: 2023-10-03. Review status: criteria provided, single submitter. Criteria: Invitae Variant Classification Sherloc (09022015). Collection method: clinical testing. Allele origin: germline.
Comment: This sequence change replaces alanine, which is neutral and non-polar, with threonine, which is neutral and polar, at codon 1095 of the ZEB2 protein (p.Ala1095Thr). This variant is not present in population databases (gnomAD no frequency). This variant has not been reported in the literature in individuals affected with ZEB2-related conditions. ClinVar contains an entry for this variant (Variation ID: 2087007). Advanced modeling of protein sequence and biophysical properties (such as structural, functional, and spatial information, amino acid conservation, physicochemical variation, residue mobility, and thermodynamic stability) has been performed at Invitae for this missense variant, however the output from this modeling did not meet the statistical confidence thresholds required to predict the impact of this variant on ZEB2 protein function. In summary, the available evidence is currently insufficient to determine the role of this variant in disease. Therefore, it has been classified as a Variant of Uncertain Significance.